The following is an entry in ClinVar:

ClinVar aggregate classification (germline): Pathogenic. Review status: criteria provided, single submitter (1 of 4 stars). 2 submissions from 2 submitters: Pathogenic (1). 1 of the submissions does not count toward it. Last evaluated 2024-01-31.

Conditions:
SUOX-related disorder. Also called: SUOX-related condition.
Sulfite oxidase deficiency. Also called: Isolated sulfite oxidase deficiency. Identifiers: Orphanet 833, Orphanet 99731, MedGen C0268624, MONDO:0010089, OMIM 272300, HP:0003643.

Allele frequency attached by ClinVar (database versions not stated): gnomAD exomes 0.00001.
gnomAD v4.1: 7 of 1,614,136 alleles (0.00043%); highest among the groups gnomAD compares: Non-Finnish European, 0.00059%; no homozygotes.

Submissions (2):

Labcorp Genetics (formerly Invitae), Labcorp
Classification: Pathogenic for Sulfite oxidase deficiency. Last evaluated: 2024-01-31. Review status: criteria provided, single submitter. Criteria: Invitae Variant Classification Sherloc (09022015). Collection method: clinical testing. Allele origin: germline.
Comment: This sequence change creates a premature translational stop signal (p.Leu151*) in the SUOX gene. While this is not anticipated to result in nonsense mediated decay, it is expected to disrupt the last 395 amino acid(s) of the SUOX protein. This variant is not present in population databases (gnomAD no frequency). This variant has not been reported in the literature in individuals affected with SUOX-related conditions. This variant disrupts a region of the SUOX protein in which other variant(s) (p.Arg529*) have been determined to be pathogenic (PMID: 17940249, 28980090). This suggests that this is a clinically significant region of the protein, and that variants that disrupt it are likely to be disease-causing. For these reasons, this variant has been classified as Pathogenic.

PreventionGenetics, part of Exact Sciences
Classification: Likely pathogenic for SUOX-related condition. Last evaluated: 2024-02-02. Review status: no assertion criteria provided. Collection method: clinical testing. Allele origin: germline. Not counted in ClinVar's aggregate classification.
Comment: The SUOX c.452T>A variant is predicted to result in premature protein termination (p.Leu151*). To our knowledge, this variant has not been reported in the literature or in a large population database, indicating this variant is rare. Nonsense variants in SUOX are expected to be pathogenic. This variant is interpreted as likely pathogenic.

Literature cited by the submitters: PubMed 17940249 (cited by Labcorp Genetics (formerly Invitae), Labcorp); PubMed 28980090 (cited by Labcorp Genetics (formerly Invitae), Labcorp).

NM_001032386.2(SUOX):c.452T>A (p.Leu151Ter)

Gene: SUOX (sulfite oxidase; plus strand). Cytogenetic location: 12q13.2.
Variant type: single nucleotide variant.
Coding change: c.452T>A on transcript NM_001032386.2 (MANE Select); coding-DNA position 452, T replaced by A.
Protein change: p.Leu151Ter; replaces leucine 151 with a stop codon.
Molecular consequence: nonsense.
Genome position (GRCh38, 1-based): chr12:56,003,841, T>A. VCF-style: chr12-56003841-T-A. GRCh37 (hg19) VCF-style: chr12-56397625-T-A.
Other names: c.452T>A, p.Leu151Ter (NM_000456.3, NM_001032387.2); c.452T>A (NM_000456.2); short protein forms L151*.
Identifiers: ClinVar variation 2711061 (VCV002711061.5), dbSNP rs2540575955, ClinGen allele CA385283784.
Genomic context (GRCh38, chr12:56,003,841, plus strand): 5'-GTCCCCTAGAGCCCTTCTGGGCCCTCTATGCTGTTCACAACCAGTCCCATGTGCGTGAGT[T>A]ACTGGCTCAGTACAAGATTGGGGAGCTGAATCCTGAAGACAAGGTAGCCCCCACCGTGGA-3'